The following is an entry in ClinVar:

NM_000501.4(ELN):c.1747+39C>T

Genes: ELN (elastin; plus strand), ELN-AS1 (ELN antisense RNA 1; minus strand). Cytogenetic location: 7q11.23.
Variant type: single nucleotide variant.
Coding change: c.1747+39C>T on transcript NM_000501.4 (MANE Select); 39 bases into the intron after coding-DNA position 1747, C replaced by T.
Molecular consequence: intron variant. On other transcripts: missense variant (1).
Genome position (GRCh38, 1-based): chr7:74,060,540, C>T. VCF-style: chr7-74060540-C-T. GRCh37 (hg19) VCF-style: chr7-73474870-C-T.
Other names: c.1873C>T, p.Leu625Phe (NM_001278939.2); c.1762+39C>T (NM_001081754.3); c.1705+39C>T (NM_001081753.3); c.1765+39C>T (NM_001278915.2); c.1747+39C>T (NM_001278912.2); c.1690+39C>T (NM_001081755.3); c.1603+39C>T (NM_001278916.2); c.1504+39C>T (NM_001278913.2); and 4 more; short protein forms L625F.
Identifiers: ClinVar variation 2657579 (VCV002657579.24), dbSNP rs2486328929, ClinGen allele CA367887254.

ClinVar aggregate classification (germline): Uncertain significance (1 of 4 stars; one submission).

Submission:

CeGaT Center for Human Genetics Tuebingen
Classification: Uncertain significance. Last evaluated: 2023-01-01. Review status: criteria provided, single submitter. Criteria: CeGaT Center For Human Genetics Tuebingen Variant Classification Criteria Version 2. Collection method: clinical testing. Allele origin: germline. Affected: yes. Observed: 1 variant allele.
Comment: ELN: PM2, BP4